The following is an entry in ClinVar:

ClinVar aggregate classification (germline): Uncertain significance (1 of 4 stars; one submission).

Conditions:
Cardiovascular phenotype. Identifiers: MedGen CN230736.

gnomAD v4.1: 1 of 1,613,976 alleles (0.000062%); highest among the groups gnomAD compares: African/African-American, 0.0013%; no homozygotes.

Submission:

Ambry Genetics
Classification: Uncertain significance for Cardiovascular phenotype. Last evaluated: 2026-02-13. Review status: criteria provided, single submitter. Criteria: Ambry Variant Classification Scheme 2023. Collection method: clinical testing. Allele origin: germline.
Comment: The p.I1349F variant (also known as c.4045A>T), located in coding exon 52 of the COL1A2 gene, results from an A to T substitution at nucleotide position 4045. The isoleucine at codon 1349 is replaced by phenylalanine, an amino acid with highly similar properties. This amino acid position is conserved. In addition, the in silico prediction for this alteration is inconclusive. Based on the available evidence, the clinical significance of this variant remains unclear.

NM_000089.4(COL1A2):c.4045A>T (p.Ile1349Phe)

Gene: COL1A2 (collagen type I alpha 2 chain; plus strand). Cytogenetic location: 7q21.3.
Variant type: single nucleotide variant.
Coding change: c.4045A>T on transcript NM_000089.4 (MANE Select); coding-DNA position 4045, A replaced by T.
Protein change: p.Ile1349Phe; replaces isoleucine 1349 with phenylalanine.
Molecular consequence: missense variant.
Genome position (GRCh38, 1-based): chr7:94,430,337, A>T. VCF-style: chr7-94430337-A-T. GRCh37 (hg19) VCF-style: chr7-94059649-A-T.
Other names: short protein forms I1349F.
Identifiers: ClinVar variation 4833085 (VCV004833085.1).